The following is an entry in ClinVar:

NM_032380.5(GFM2):c.1030G>A (p.Ala344Thr)

Gene: GFM2 (GTP dependent ribosome recycling factor mitochondrial GFM2; minus strand). Cytogenetic location: 5q13.3.
Variant type: single nucleotide variant.
Coding change: c.1030G>A on transcript NM_032380.5 (MANE Select); coding-DNA position 1030, G replaced by A.
Protein change: p.Ala344Thr; replaces alanine 344 with threonine.
Molecular consequence: missense variant. On other transcripts: non-coding transcript variant (1).
Genome position (GRCh38, 1-based): chr5:74,740,038, C>T on the plus strand (G>A on the coding strand, the complement: GFM2 is on the minus strand). VCF-style: chr5-74740038-C-T. GRCh37 (hg19) VCF-style: chr5-74035863-C-T.
Other names: c.1126G>A, p.Ala376Thr (NM_001281302.2); c.1030G>A, p.Ala344Thr (NM_170681.3, NM_170691.3); short protein forms A344T, A376T.
Identifiers: ClinVar variation 5018822 (VCV005018822.2).

ClinVar aggregate classification (germline): Uncertain significance (1 of 4 stars; one submission).

Conditions:
Combined oxidative phosphorylation deficiency 39. Identifiers: Orphanet 565624, MedGen C5193075, MONDO:0032726, OMIM 618397.

Submission:

Juno Genomics, Hangzhou Juno Genomics, Inc
Classification: Uncertain significance for Combined oxidative phosphorylation deficiency 39. Review status: criteria provided, single submitter. Criteria: ACMG Guidelines, 2015. Collection method: clinical testing. Allele origin: germline.
Comment: Absent from controls (or at extremely low frequency if recessive) in Genome Aggregation Database.;Multiple lines of computational evidence support a deleterious effect on the gene or gene product.